The following is an entry in ClinVar:

NM_177438.3(DICER1):c.2719A>C (p.Ile907Leu)

Gene: DICER1 (dicer 1, ribonuclease III; minus strand). Cytogenetic location: 14q32.13.
Variant type: single nucleotide variant.
Coding change: c.2719A>C on transcript NM_177438.3 (MANE Select); coding-DNA position 2719, A replaced by C.
Protein change: p.Ile907Leu; replaces isoleucine 907 with leucine.
Molecular consequence: missense variant. On other transcripts: non-coding transcript variant (6).
Genome position (GRCh38, 1-based): chr14:95,107,693, T>G on the plus strand (A>C on the coding strand, the complement: DICER1 is on the minus strand). VCF-style: chr14-95107693-T-G. GRCh37 (hg19) VCF-style: chr14-95574030-T-G.
Other names: c.2719A>C, p.Ile907Leu (NM_001195573.1, NM_001271282.3, NM_001291628.2 and 12 more transcripts); c.2437A>C, p.Ile813Leu (NM_001395686.1); c.2314A>C, p.Ile772Leu (NM_001395687.1, NM_001395688.1, NM_001395689.1 and 2 more transcripts); c.2152A>C, p.Ile718Leu (NM_001395691.1); c.1036A>C, p.Ile346Leu (NM_001395697.1); short protein forms I813L, I718L, I772L, I346L, I907L.
Identifiers: ClinVar variation 3720182 (VCV003720182.2).

ClinVar aggregate classification (germline): Uncertain significance (1 of 4 stars; one submission).

Conditions:
DICER1-related tumor predisposition. Also called: DICER1 syndrome; DICER1-related pleuropulmonary blastoma cancer predisposition syndrome. Identifiers: Orphanet 284343, MedGen C3839822, MONDO:0100216.

gnomAD v4.1: 1 of 1,613,746 alleles (0.000062%); highest among the groups gnomAD compares: Admixed American, 0.0017%; no homozygotes.

Submission:

Labcorp Genetics (formerly Invitae), Labcorp
Classification: Uncertain significance for DICER1-related tumor predisposition. Last evaluated: 2024-11-12. Review status: criteria provided, single submitter. Criteria: Invitae Variant Classification Sherloc (09022015). Collection method: clinical testing. Allele origin: germline.
Comment: This sequence change replaces isoleucine, which is neutral and non-polar, with leucine, which is neutral and non-polar, at codon 907 of the DICER1 protein (p.Ile907Leu). This variant is present in population databases (no rsID available, gnomAD 0.003%). This variant has not been reported in the literature in individuals affected with DICER1-related conditions. Invitae Evidence Modeling of protein sequence and biophysical properties (such as structural, functional, and spatial information, amino acid conservation, physicochemical variation, residue mobility, and thermodynamic stability) indicates that this missense variant is not expected to disrupt DICER1 protein function with a negative predictive value of 95%. In summary, the available evidence is currently insufficient to determine the role of this variant in disease. Therefore, it has been classified as a Variant of Uncertain Significance.